The following is an entry in ClinVar:

ClinVar aggregate classification (germline): Uncertain significance. Review status: criteria provided, multiple submitters, no conflicts (2 of 4 stars). 3 submissions from 3 submitters: Uncertain significance (3). Last evaluated 2023-08-15.

Conditions:
Hereditary cancer-predisposing syndrome. Also called: Hereditary neoplastic syndrome; Neoplastic Syndromes, Hereditary; Tumor predisposition; Hereditary Cancer Syndrome. Identifiers: Orphanet 140162, MedGen C0027672, MeSH D009386, MONDO:0015356.
Tuberous sclerosis syndrome (TSC). Also called: Tuberous Sclerosis Complex; Tuberous sclerosis. Identifiers: Orphanet 805, MedGen C0041341, MONDO:0001734.
Tuberous sclerosis 2 (TSC2). Identifiers: Orphanet 805, MedGen C1860707, MONDO:0013199, OMIM 613254.

Submissions (3):

All of Us Research Program, National Institutes of Health
Classification: Uncertain significance for Tuberous sclerosis syndrome. Last evaluated: 2023-08-15. Review status: criteria provided, single submitter. Criteria: ACMG Guidelines, 2015. Collection method: clinical testing. Allele origin: germline. Inheritance: Autosomal dominant inheritance. Observed: 1 variant allele, 1 heterozygote.
Comment: This study involves interpretation of variants in research participants for the purpose of population health screening. Participant phenotype was not available at the time of variant classification. Additional details can be found in publication PMID: 35346344, PMCID: PMC8962531

Ambry Genetics
Classification: Uncertain significance for Hereditary cancer-predisposing syndrome. Last evaluated: 2021-09-17. Review status: criteria provided, single submitter. Criteria: Ambry Variant Classification Scheme 2023. Collection method: clinical testing. Allele origin: germline.
Comment: The p.E74G variant (also known as c.221A>G), located in coding exon 2 of the TSC2 gene, results from an A to G substitution at nucleotide position 221. The glutamic acid at codon 74 is replaced by glycine, an amino acid with similar properties. This amino acid position is highly conserved in available vertebrate species. In addition, this alteration is predicted to be deleterious by in silico analysis. Since supporting evidence is limited at this time, the clinical significance of this alteration remains unclear.

Labcorp Genetics (formerly Invitae), Labcorp
Classification: Uncertain significance for Tuberous sclerosis 2. Last evaluated: 2021-07-09. Review status: criteria provided, single submitter. Criteria: Invitae Variant Classification Sherloc (09022015). Collection method: clinical testing. Allele origin: germline.
Comment: This variant has not been reported in the literature in individuals with TSC2-related conditions. Algorithms developed to predict the effect of missense changes on protein structure and function are either unavailable or do not agree on the potential impact of this missense change (SIFT: "Deleterious"; PolyPhen-2: "Probably Damaging"; Align-GVGD: "Class C0"). In summary, the available evidence is currently insufficient to determine the role of this variant in disease. Therefore, it has been classified as a Variant of Uncertain Significance. This variant is not present in population databases (ExAC no frequency). This sequence change replaces glutamic acid with glycine at codon 74 of the TSC2 protein (p.Glu74Gly). The glutamic acid residue is highly conserved and there is a moderate physicochemical difference between glutamic acid and glycine.

NM_000548.5(TSC2):c.221A>G (p.Glu74Gly)

Gene: TSC2 (TSC complex subunit 2; plus strand). Cytogenetic location: 16p13.3.
Variant type: single nucleotide variant.
Coding change: c.221A>G on transcript NM_000548.5 (MANE Select); coding-DNA position 221, A replaced by G.
Protein change: p.Glu74Gly; replaces glutamic acid 74 with glycine.
Molecular consequence: missense variant. On other transcripts: 5 prime UTR variant (1).
Genome position (GRCh38, 1-based): chr16:2,050,482, A>G. VCF-style: chr16-2050482-A-G. GRCh37 (hg19) VCF-style: chr16-2100483-A-G.
Other names: c.221A>G, p.Glu74Gly (NM_001077183.3, NM_001114382.3, NM_001318827.2 and 4 more transcripts); c.74A>G, p.Glu25Gly (NM_001318829.2); c.-6A>G (NM_001318831.2); c.254A>G, p.Glu85Gly (NM_001318832.2); short protein forms E74G, E25G, E85G.
Identifiers: ClinVar variation 1046113 (VCV001046113.12), dbSNP rs2084968438, ClinGen allele CA394303627.